The following is an entry in ClinVar:

NM_000138.5(FBN1):c.1598A>G (p.Glu533Gly)

Gene: FBN1 (fibrillin 1; minus strand). Cytogenetic location: 15q21.1.
Variant type: single nucleotide variant.
Coding change: c.1598A>G on transcript NM_000138.5 (MANE Select); coding-DNA position 1598, A replaced by G.
Protein change: p.Glu533Gly; replaces glutamic acid 533 with glycine.
Molecular consequence: missense variant.
Genome position (GRCh38, 1-based): chr15:48,510,160, T>C on the plus strand (A>G on the coding strand, the complement: FBN1 is on the minus strand). VCF-style: chr15-48510160-T-C. GRCh37 (hg19) VCF-style: chr15-48802357-T-C.
Other names: c.1598A>G, p.Glu533Gly (NM_001406716.1); short protein forms E533G.
Identifiers: ClinVar variation 5037788 (VCV005037788.1).

ClinVar aggregate classification (germline): Likely pathogenic (1 of 4 stars; one submission).

Conditions:
Cardiovascular phenotype. Identifiers: MedGen CN230736.

Submission:

Molecular Diagnostic Laboratory for Inherited Cardiovascular Disease, Montreal Heart Institute
Classification: Likely pathogenic for Cardiovascular phenotype. Last evaluated: 2026-06-29. Review status: criteria provided, single submitter. Criteria: ACMG Guidelines, 2015. Collection method: clinical testing. Allele origin: germline. Affected: yes.
Comment: PM1, PM2, PM5_supp, PP2, PP3